The following is an entry in ClinVar:

ClinVar aggregate classification (germline): Uncertain significance (1 of 4 stars; one submission).

Submission:

Labcorp Genetics (formerly Invitae), Labcorp
Classification: Uncertain significance. Last evaluated: 2024-10-28. Review status: criteria provided, single submitter. Criteria: Invitae Variant Classification Sherloc (09022015). Collection method: clinical testing. Allele origin: germline.
Comment: This sequence change replaces alanine, which is neutral and non-polar, with glycine, which is neutral and non-polar, at codon 20 of the SERPING1 protein (p.Ala20Gly). This variant is not present in population databases (gnomAD no frequency). This variant has not been reported in the literature in individuals affected with SERPING1-related conditions. ClinVar contains an entry for this variant (Variation ID: 2130412). Invitae Evidence Modeling of protein sequence and biophysical properties (such as structural, functional, and spatial information, amino acid conservation, physicochemical variation, residue mobility, and thermodynamic stability) indicates that this missense variant is not expected to disrupt SERPING1 protein function with a negative predictive value of 95%. In summary, the available evidence is currently insufficient to determine the role of this variant in disease. Therefore, it has been classified as a Variant of Uncertain Significance.

NM_000062.3(SERPING1):c.59C>G (p.Ala20Gly)

Gene: SERPING1 (serpin family G member 1; plus strand). Cytogenetic location: 11q12.1.
Variant type: single nucleotide variant.
Coding change: c.59C>G on transcript NM_000062.3 (MANE Select); coding-DNA position 59, C replaced by G.
Protein change: p.Ala20Gly; replaces alanine 20 with glycine.
Molecular consequence: missense variant.
Genome position (GRCh38, 1-based): chr11:57,599,886, C>G. VCF-style: chr11-57599886-C-G. GRCh37 (hg19) VCF-style: chr11-57367359-C-G.
Other names: c.59C>G, p.Ala20Gly (NM_001032295.2); short protein forms A20G.
Identifiers: ClinVar variation 2130412 (VCV002130412.4), dbSNP rs750953819, ClinGen allele CA380694211.